The following is an entry in ClinVar:

ClinVar aggregate classification (germline): Uncertain significance (1 of 4 stars; one submission).

Conditions:
Hereditary cancer-predisposing syndrome. Also called: Hereditary neoplastic syndrome; Tumor predisposition; Hereditary Cancer Syndrome; Neoplastic Syndromes, Hereditary. Identifiers: Orphanet 140162, MedGen C0027672, MeSH D009386, MONDO:0015356.

Submission:

Ambry Genetics
Classification: Uncertain significance for Hereditary cancer-predisposing syndrome. Last evaluated: 2023-07-17. Review status: criteria provided, single submitter. Criteria: Ambry Variant Classification Scheme 2023. Collection method: clinical testing. Allele origin: germline.
Comment: The p.S2137A variant (also known as c.6409T>G), located in coding exon 15 of the APC gene, results from a T to G substitution at nucleotide position 6409. The serine at codon 2137 is replaced by alanine, an amino acid with similar properties. This amino acid position is highly conserved in available vertebrate species. In addition, in silico predictors for this gene do not accurately predict pathogenicity. Since supporting evidence is limited at this time, the clinical significance of this alteration remains unclear.

NM_000038.6(APC):c.6409T>G (p.Ser2137Ala)

Gene: APC (APC regulator of Wnt signaling pathway; plus strand). Cytogenetic location: 5q22.2.
Variant type: single nucleotide variant.
Coding change: c.6409T>G on transcript NM_000038.6 (MANE Select); coding-DNA position 6409, T replaced by G.
Protein change: p.Ser2137Ala; replaces serine 2137 with alanine.
Molecular consequence: missense variant. On other transcripts: non-coding transcript variant (2).
Genome position (GRCh38, 1-based): chr5:112,842,003, T>G. VCF-style: chr5-112842003-T-G. GRCh37 (hg19) VCF-style: chr5-112177700-T-G.
Other names: c.6409T>G, p.Ser2137Ala (NM_001127510.3, NM_001354895.2, NM_001407450.1); c.6355T>G, p.Ser2119Ala (NM_001127511.3); c.6463T>G, p.Ser2155Ala (NM_001354896.2, NM_001407447.1, NM_001407448.1 and 1 more transcripts); c.6439T>G, p.Ser2147Ala (NM_001354897.2); c.6334T>G, p.Ser2112Ala (NM_001354898.2); c.6325T>G, p.Ser2109Ala (NM_001354899.2); c.6286T>G, p.Ser2096Ala (NM_001354900.2); c.6232T>G, p.Ser2078Ala (NM_001354901.2, NM_001407453.1); and 11 more; short protein forms S1753A, S2054A, S2112A, S2127A, S2165A, S2008A, S2109A, S2147A.
Identifiers: ClinVar variation 2586995 (VCV002586995.2), dbSNP rs2149964209, ClinGen allele CA16035363.